The following is an entry in ClinVar:

NM_001278716.2(FBXL4):c.443C>T (p.Pro148Leu)

Gene: FBXL4 (F-box and leucine rich repeat protein 4; minus strand). Cytogenetic location: 6q16.2.
Variant type: single nucleotide variant.
Coding change: c.443C>T on transcript NM_001278716.2 (MANE Select); coding-DNA position 443, C replaced by T.
Protein change: p.Pro148Leu; replaces proline 148 with leucine.
Molecular consequence: missense variant. On other transcripts: non-coding transcript variant (2).
Genome position (GRCh38, 1-based): chr6:98,926,546, G>A on the plus strand (C>T on the coding strand, the complement: FBXL4 is on the minus strand). VCF-style: chr6-98926546-G-A. GRCh37 (hg19) VCF-style: chr6-99374422-G-A.
Other names: c.443C>T, p.Pro148Leu (NM_012160.5); short protein forms P148L.
Identifiers: ClinVar variation 437580 (VCV000437580.6), dbSNP rs755008031, ClinGen allele CA3933685.

ClinVar aggregate classification (germline): Uncertain significance. Review status: criteria provided, multiple submitters, no conflicts (2 of 4 stars). 2 submissions from 2 submitters: Uncertain significance (2). Last evaluated 2022-08-19.

Conditions:
Mitochondrial DNA depletion syndrome 13. Also called: FBXL4-Related Encephalomyopathic Mitochondrial DNA Depletion Syndrome; Mitochondrial DNA depletion syndrome 13 (encephalomyopathic type). Identifiers: Orphanet 369897, MedGen C3809592, MONDO:0014198, OMIM 615471.

Allele frequency attached by ClinVar (database versions not stated): gnomAD exomes below 0.00001; ExAC 0.00001.
gnomAD v4.1: 1 of 1,614,098 alleles (0.000062%); highest among the groups gnomAD compares: Non-Finnish European, 0.000085%; no homozygotes.

Submissions (2):

Labcorp Genetics (formerly Invitae), Labcorp
Classification: Uncertain significance. Last evaluated: 2022-08-19. Review status: criteria provided, single submitter. Criteria: Invitae Variant Classification Sherloc (09022015). Collection method: clinical testing. Allele origin: germline.
Comment: This sequence change replaces proline, which is neutral and non-polar, with leucine, which is neutral and non-polar, at codon 148 of the FBXL4 protein (p.Pro148Leu). This variant is present in population databases (rs755008031, gnomAD 0.0009%). This variant has not been reported in the literature in individuals affected with FBXL4-related conditions. ClinVar contains an entry for this variant (Variation ID: 437580). Advanced modeling of protein sequence and biophysical properties (such as structural, functional, and spatial information, amino acid conservation, physicochemical variation, residue mobility, and thermodynamic stability) performed at Invitae indicates that this missense variant is expected to disrupt FBXL4 protein function. In summary, the available evidence is currently insufficient to determine the role of this variant in disease. Therefore, it has been classified as a Variant of Uncertain Significance.

Wong Mito Lab, Molecular and Human Genetics, Baylor College of Medicine
Classification: Uncertain significance for Mitochondrial DNA depletion syndrome 13. Last evaluated: 2017-08-10. Review status: criteria provided, single submitter. Criteria: ACMG Guidelines, 2015. Collection method: reference population. Allele origin: germline.
Comment: The NM_012160.4:c.443C>T (NP_036292.2:p.Pro148Leu) [GRCH38: NC_000006.12:g.98926546G>A] variant in FBXL4 gene is interpretated to be a Uncertain Significance - Insufficient Evidence based on ACMG guidelines (PMID: 25741868). This variant meets one or more of the following evidence codes reported in the ACMG-guideline. PM2:This variant is absent in key population databases. Based on this evidence code ClinGen Pathogenicity Calculator (PMID:28081714) suggested that the variant is Uncertain Significance - Insufficient Evidence.